The following is an entry in ClinVar:

ClinVar aggregate classification (germline): Uncertain significance (1 of 4 stars; one submission).

Conditions:
Immunodeficiency 23 (IMD23). Also called: IMMUNODEFICIENCY-VASCULITIS-MYOCLONUS SYNDROME; IMMUNODEFICIENCY WITH HYPER IgE AND COGNITIVE IMPAIRMENT. Identifiers: Orphanet 443811, MedGen C4014371, MONDO:0014353, OMIM 615816.

Allele frequency attached by ClinVar (database versions not stated): gnomAD exomes below 0.00001.
gnomAD v4.1: 3 of 1,613,742 alleles (0.00019%); highest among the groups gnomAD compares: Non-Finnish European, 0.00025%; no homozygotes.

Submission:

Labcorp Genetics (formerly Invitae), Labcorp
Classification: Uncertain significance for Immunodeficiency 23. Last evaluated: 2019-08-09. Review status: criteria provided, single submitter. Criteria: Invitae Variant Classification Sherloc (09022015). Collection method: clinical testing. Allele origin: germline.
Comment: In summary, the available evidence is currently insufficient to determine the role of this variant in disease. Therefore, it has been classified as a Variant of Uncertain Significance. Algorithms developed to predict the effect of missense changes on protein structure and function (SIFT, PolyPhen-2, Align-GVGD) all suggest that this variant is likely to be disruptive, but these predictions have not been confirmed by published functional studies and their clinical significance is uncertain. This variant has not been reported in the literature in individuals with PGM3-related conditions. This variant is not present in population databases (ExAC no frequency). This sequence change replaces cysteine with arginine at codon 277 of the PGM3 protein (p.Cys277Arg). The cysteine residue is highly conserved and there is a large physicochemical difference between cysteine and arginine.

NM_015599.3(PGM3):c.745T>C (p.Cys249Arg)

Gene: PGM3 (phosphoglucomutase 3; minus strand). Cytogenetic location: 6q14.1.
Variant type: single nucleotide variant.
Coding change: c.745T>C on transcript NM_015599.3 (MANE Select); coding-DNA position 745, T replaced by C.
Protein change: p.Cys249Arg; replaces cysteine 249 with arginine.
Molecular consequence: missense variant. On other transcripts: non-coding transcript variant (1).
Genome position (GRCh38, 1-based): chr6:83,181,778, A>G on the plus strand (T>C on the coding strand, the complement: PGM3 is on the minus strand). VCF-style: chr6-83181778-A-G. GRCh37 (hg19) VCF-style: chr6-83891497-A-G.
Other names: c.829T>C, p.Cys277Arg (NM_001199917.2, NM_001367287.1); c.502T>C, p.Cys168Arg (NM_001199918.2); c.745T>C, p.Cys249Arg (NM_001199919.2, NM_001367286.1); short protein forms C168R, C249R, C277R.
Identifiers: ClinVar variation 941402 (VCV000941402.9), dbSNP rs1788195656, ClinGen allele CA364881893.
Genomic context (GRCh38, chr6:83,181,778, plus strand): 5'-AGTGCTAGTACGACATACCCTGTGGAGGTTTCTGATGACTTTTCACAAAGTCAGCTCCAC[A>G]TAAATGATTGAGTTTGCCCTTGGACCCATCATTAAACAGCTGAACTGACAGGCCCTGTGA-3'
Protein context (NP_056414.1, residues 239-259): DGSKGKLNHL[Cys249Arg]GADFVKSHQK